The following is an entry in ClinVar:

NM_000133.4(F9):c.356G>A (p.Cys119Tyr)

Gene: F9 (coagulation factor IX; plus strand). Cytogenetic location: Xq27.1.
Variant type: single nucleotide variant.
Coding change: c.356G>A on transcript NM_000133.4 (MANE Select); coding-DNA position 356, G replaced by A.
Protein change: p.Cys119Tyr; replaces cysteine 119 with tyrosine.
Molecular consequence: missense variant. On other transcripts: intron variant (1).
Genome position (GRCh38, 1-based): chrX:139,541,154, G>A. VCF-style: chrX-139541154-G-A. GRCh37 (hg19) VCF-style: chrX-138623313-G-A.
Other names: c.277+3768G>A (NM_001313913.2); short protein forms C119Y.
Identifiers: ClinVar variation 2138736 (VCV002138736.4), dbSNP rs1349887620, ClinGen allele CA414437736.

ClinVar aggregate classification (germline): Pathogenic (1 of 4 stars; one submission).

Conditions:
Thrombophilia, X-linked, due to factor 9 defect. Identifiers: MedGen C2749016, MONDO:0010432, OMIM 300807.
Hereditary factor IX deficiency disease (HEMB). Also called: Christmas Disease; F9 DEFICIENCY; FACTOR IX DEFICIENCY; PLASMA THROMBOPLASTIN COMPONENT DEFICIENCY; Hemophilia B. Identifiers: Orphanet 98879, MedGen C0008533, MeSH D002836, MONDO:0010604, OMIM 306900.

Allele frequency attached by ClinVar (database versions not stated): TOPMed 0.00002.

Submission:

Labcorp Genetics (formerly Invitae), Labcorp
Classification: Pathogenic for Thrombophilia, X-linked, due to factor 9 defect; Hereditary factor IX deficiency disease. Last evaluated: 2022-09-16. Review status: criteria provided, single submitter. Criteria: Invitae Variant Classification Sherloc (09022015). Collection method: clinical testing. Allele origin: germline.
Comment: This variant disrupts the p.Cys119 amino acid residue in F9. Other variant(s) that disrupt this residue have been observed in individuals with F9-related conditions (PMID: 7937052, 19699296), which suggests that this may be a clinically significant amino acid residue. Algorithms developed to predict the effect of missense changes on protein structure and function (SIFT, PolyPhen-2, Align-GVGD) all suggest that this variant is likely to be disruptive. This variant is also known as C73Y. This missense change has been observed in individuals with factor IX deficiency (PMID: 7937052, 19699296; Invitae). This variant is not present in population databases (gnomAD no frequency). This sequence change replaces cysteine, which is neutral and slightly polar, with tyrosine, which is neutral and polar, at codon 119 of the F9 protein (p.Cys119Tyr). For these reasons, this variant has been classified as Pathogenic.

Literature cited by the submitters: PubMed 7937052; PubMed 19699296.